The following is an entry in ClinVar:

ClinVar aggregate classification (germline): Uncertain significance. Review status: criteria provided, multiple submitters, no conflicts (2 of 4 stars). 4 submissions from 4 submitters: Uncertain significance (4). Last evaluated 2024-09-10.

Conditions:
Spastic paraplegia. Identifiers: MedGen C0037772, HP:0001258.
Hereditary spastic paraplegia. Also called: Familial spastic paraparesis. Identifiers: Orphanet 685, MedGen C0037773, MONDO:0019064. Disease mechanism: loss of function.
Hereditary spastic paraplegia 46. Also called: Spastic paraplegia 46, autosomal recessive. Identifiers: Orphanet 320391, MedGen C2828721, MONDO:0013737, OMIM 614409.

Allele frequency attached by ClinVar (database versions not stated): ExAC 0.00009; gnomAD exomes 0.00010 and 0.00020; TOPMed 0.00014; gnomAD 0.00015.

Submissions (4):

Blueprint Genetics
Classification: Uncertain significance. Last evaluated: 2024-09-10. Review status: criteria provided, single submitter. Criteria: ACMG Guidelines, 2015. Collection method: clinical testing. Allele origin: germline.

Labcorp Genetics (formerly Invitae), Labcorp
Classification: Uncertain significance for Spastic paraplegia. Last evaluated: 2023-07-14. Review status: criteria provided, single submitter. Criteria: Invitae Variant Classification Sherloc (09022015). Collection method: clinical testing. Allele origin: germline.
Comment: This sequence change replaces glycine, which is neutral and non-polar, with aspartic acid, which is acidic and polar, at codon 220 of the GBA2 protein (p.Gly220Asp). This variant is present in population databases (rs145436860, gnomAD 0.02%). This variant has not been reported in the literature in individuals affected with GBA2-related conditions. ClinVar contains an entry for this variant (Variation ID: 527983). Advanced modeling of protein sequence and biophysical properties (such as structural, functional, and spatial information, amino acid conservation, physicochemical variation, residue mobility, and thermodynamic stability) performed at Invitae indicates that this missense variant is not expected to disrupt GBA2 protein function. In summary, the available evidence is currently insufficient to determine the role of this variant in disease. Therefore, it has been classified as a Variant of Uncertain Significance.

Genome Diagnostics Laboratory, The Hospital for Sick Children
Classification: Uncertain significance for Hereditary spastic paraplegia. Last evaluated: 2021-03-02. Review status: criteria provided, single submitter. Criteria: ACMG Guidelines, 2015. Collection method: clinical testing. Allele origin: germline. Affected: yes.

Baylor Genetics
Classification: Uncertain significance for Hereditary spastic paraplegia 46. Last evaluated: 2018-11-09. Review status: criteria provided, single submitter. Criteria: ACMG Guidelines, 2015. Collection method: clinical testing. Allele origin: paternal. Affected: yes.
Comment: This variant was determined to be of uncertain significance according to ACMG Guidelines, 2015 [PMID:25741868].

NM_020944.3(GBA2):c.659G>A (p.Gly220Asp)

Gene: GBA2 (glucosylceramidase beta 2; minus strand). Cytogenetic location: 9p13.3.
Variant type: single nucleotide variant.
Coding change: c.659G>A on transcript NM_020944.3 (MANE Select); coding-DNA position 659, G replaced by A.
Protein change: p.Gly220Asp; replaces glycine 220 with aspartic acid.
Molecular consequence: missense variant.
Genome position (GRCh38, 1-based): chr9:35,741,799, C>T on the plus strand (G>A on the coding strand, the complement: GBA2 is on the minus strand). VCF-style: chr9-35741799-C-T. GRCh37 (hg19) VCF-style: chr9-35741796-C-T.
Other names: c.659G>A, p.Gly220Asp (NM_001330660.2); short protein forms G220D.
Identifiers: ClinVar variation 527983 (VCV000527983.13), dbSNP rs145436860, ClinGen allele CA5050646.